The following is an entry in ClinVar:

NM_003114.5(SPAG1):c.2300A>G (p.Glu767Gly)

Gene: SPAG1 (sperm associated antigen 1; plus strand). Cytogenetic location: 8q22.2.
Variant type: single nucleotide variant.
Coding change: c.2300A>G on transcript NM_003114.5 (MANE Select); coding-DNA position 2300, A replaced by G.
Protein change: p.Glu767Gly; replaces glutamic acid 767 with glycine.
Molecular consequence: missense variant.
Genome position (GRCh38, 1-based): chr8:100,240,422, A>G. VCF-style: chr8-100240422-A-G. GRCh37 (hg19) VCF-style: chr8-101252650-A-G.
Other names: c.2300A>G, p.Glu767Gly (NM_001374321.1, NM_172218.3); short protein forms E767G.
Identifiers: ClinVar variation 1789282 (VCV001789282.2), dbSNP rs2489643013, ClinGen allele CA371817540.
Genomic context (GRCh38, chr8:100,240,422, plus strand): 5'-GTGGTTCAGTGTCACAATGCATTTTTCTTTTCTTCATGAAGGTGAATGAAGGCAAGGAGG[A>G]GCCTGGAAGACCTGCAGGGGAGGTCTCCATGGGATGCCTTGCTTCTGAGAAGGGAGGCAA-3'
Protein context (NP_003105.2, residues 757-777): EIQEVNEGKE[Glu767Gly]PGRPAGEVSM

ClinVar aggregate classification (germline): Uncertain significance (1 of 4 stars; one submission).

Conditions:
Primary ciliary dyskinesia. Also called: Ciliary dyskinesia. Identifiers: Orphanet 244, MedGen C0008780, MONDO:0016575, HP:0012265.

Submission:

Ambry Genetics
Classification: Uncertain significance for Primary ciliary dyskinesia. Last evaluated: 2022-08-30. Review status: criteria provided, single submitter. Criteria: Ambry Variant Classification Scheme 2023. Collection method: clinical testing. Allele origin: germline.
Comment: The p.E767G variant (also known as c.2300A>G), located in coding exon 17 of the SPAG1 gene, results from an A to G substitution at nucleotide position 2300. The glutamic acid at codon 767 is replaced by glycine, an amino acid with similar properties. This amino acid position is conserved. In addition, this alteration is predicted to be tolerated by in silico analysis. Since supporting evidence is limited at this time, the clinical significance of this alteration remains unclear.